The following is an entry in ClinVar:

NM_015267.4(CUX2):c.3724G>A (p.Gly1242Arg)

Gene: CUX2 (cut like homeobox 2; plus strand). Cytogenetic location: 12q24.12.
Variant type: single nucleotide variant.
Coding change: c.3724G>A on transcript NM_015267.4 (MANE Select); coding-DNA position 3724, G replaced by A.
Protein change: p.Gly1242Arg; replaces glycine 1242 with arginine.
Molecular consequence: missense variant.
Genome position (GRCh38, 1-based): chr12:111,347,588, G>A. VCF-style: chr12-111347588-G-A. GRCh37 (hg19) VCF-style: chr12-111785392-G-A.
Other names: c.3538G>A, p.Gly1180Arg (NM_001370598.1); short protein forms G1180R, G1242R.
Identifiers: ClinVar variation 975533 (VCV000975533.28), dbSNP rs201097767, ClinGen allele CA6789202.

ClinVar aggregate classification (germline): Likely benign. Review status: criteria provided, multiple submitters, no conflicts (2 of 4 stars). 5 submissions from 5 submitters: Likely benign (3). 2 of the submissions do not count toward it. Last evaluated 2024-11-11.

Conditions:
CUX2-related disorder. Also called: CUX2-related condition.
Intellectual disability. Also called: Intellectual developmental disorder; intellectual disabilities; Intellectual functioning disability. Identifiers: MedGen C3714756, MeSH D008607, MONDO:0001071, HP:0001249.
Inborn genetic diseases. Identifiers: MedGen C0950123, MeSH D030342.

Allele frequency attached by ClinVar (database versions not stated): TOPMed 0.00021; gnomAD 0.00023 and 0.00024; ExAC 0.00016; ESP Exome Variant Server 0.00017; gnomAD exomes 0.00018.
gnomAD v4.1: 460 of 1,613,374 alleles (0.029%); highest among the groups gnomAD compares: Non-Finnish European, 0.036%; 1 homozygote.

Submissions (5):

Blueprint Genetics
Classification: Likely benign. Last evaluated: 2024-11-11. Review status: criteria provided, single submitter. Criteria: ACMG Guidelines, 2015. Collection method: clinical testing. Allele origin: germline.

CeGaT Center for Human Genetics Tuebingen
Classification: Likely benign. Last evaluated: 2024-09-01. Review status: criteria provided, single submitter. Criteria: CeGaT Center For Human Genetics Tuebingen Variant Classification Criteria Version 2. Collection method: clinical testing. Allele origin: germline. Affected: yes. Observed: 4 variant alleles.
Comment: CUX2: BP4, BS2

Ambry Genetics
Classification: Likely benign for Inborn genetic diseases. Last evaluated: 2021-05-24. Review status: criteria provided, single submitter. Criteria: Ambry Variant Classification Scheme 2023. Collection method: clinical testing. Allele origin: germline.

PreventionGenetics, part of Exact Sciences
Classification: Likely benign for CUX2-related condition. Last evaluated: 2023-05-06. Review status: no assertion criteria provided. Collection method: clinical testing. Allele origin: germline. Not counted in ClinVar's aggregate classification.
Comment: This variant is classified as likely benign based on ACMG/AMP sequence variant interpretation guidelines (Richards et al. 2015 PMID: 25741868, with internal and published modifications).

Centre de Biologie Pathologie Génétique, Centre Hospitalier Universitaire de Lille
Classification: Likely benign for Intellectual disability. Last evaluated: 2019-01-01. Review status: no assertion criteria provided. Collection method: clinical testing. Allele origin: inherited. Affected: yes. Not counted in ClinVar's aggregate classification.